The following is an entry in ClinVar:

ClinVar aggregate classification (germline): Likely benign (1 of 4 stars; one submission).

Submission:

ARUP Laboratories, Molecular Genetics and Genomics, ARUP Laboratories
Classification: Likely benign. Last evaluated: 2025-07-18. Review status: criteria provided, single submitter. Criteria: ARUP Molecular Germline Variant Investigation Process 2024. Collection method: clinical testing. Allele origin: germline.
Comment: The Hb Ormylia variant (HBA1: c.63C>G; p.His21Gln, also known as His20Gln when numbered from the mature protein) is reported in the literature as a stable variant described in multiple asymptomatic individuals with normal hematology (Vousvouki 2024). This variant is absent from the Genome Aggregation Database (v2.1.1), indicating it is not a common polymorphism. Computational analyses are uncertain whether this variant is neutral or deleterious (REVEL: 0.62). Additionally, other variants leading to the same amino acid substitution in HBA1 or HBA2 (Hb Brugg: HBA1 c.63C>A; p.His21Gln, HbVar ID: 2673; Hb Le Lamentin: HBA2 c.63C>A; p.His21Gln, HbVar ID: 27) have been reported as stable variants present in asymptomatic individuals (HbVar database and references therein). Based on available information, the Hb Ormylia variant is considered to be likely benign. References: Link to HbVar database: Vousvouki M et al. A New a1-Globin Variant, Hb Ormylia [HBA1:c.63C?>?G; p.His21Gln]. Report of Eleven Cases in Northern Greece. Hemoglobin. 2024 Mar;48(2):133-137. PMID: 38632978.

NM_000558.5(HBA1):c.63C>G (p.His21Gln)

Genes: HBA1 (hemoglobin subunit alpha 1; plus strand), LOC106804613 (hemoglobin subunit alpha 1 recombination region; plus strand). Cytogenetic location: 16p13.3.
Variant type: single nucleotide variant.
Coding change: c.63C>G on transcript NM_000558.5 (MANE Select); coding-DNA position 63, C replaced by G.
Protein change: p.His21Gln; replaces histidine 21 with glutamine.
Molecular consequence: missense variant.
Genome position (GRCh38, 1-based): chr16:176,779, C>G. VCF-style: chr16-176779-C-G. GRCh37 (hg19) VCF-style: chr16-226778-C-G.
Other names: short protein forms H21Q.
Identifiers: ClinVar variation 4685966 (VCV004685966.1).